The following is an entry in ClinVar:

ClinVar aggregate classification (germline): Uncertain significance (1 of 4 stars; one submission).

Conditions:
Kabuki syndrome. Also called: NIIKAWA-KUROKI SYNDROME; Kabuki make-up syndrome. Identifiers: Orphanet 2322, MedGen C0796004, MONDO:0016512.

Allele frequency attached by ClinVar (database versions not stated): gnomAD exomes below 0.00001.

Submission:

Labcorp Genetics (formerly Invitae), Labcorp
Classification: Uncertain significance for Kabuki syndrome. Last evaluated: 2025-09-15. Review status: criteria provided, single submitter. Criteria: Invitae Variant Classification Sherloc (09022015). Collection method: clinical testing. Allele origin: germline.
Comment: This sequence change replaces cysteine, which is neutral and slightly polar, with arginine, which is basic and polar, at codon 58 of the KMT2D protein (p.Cys58Arg). This variant is not present in population databases (gnomAD no frequency). This variant has not been reported in the literature in individuals affected with KMT2D-related conditions. ClinVar contains an entry for this variant (Variation ID: 2012846). Invitae Evidence Modeling of protein sequence and biophysical properties (such as structural, functional, and spatial information, amino acid conservation, physicochemical variation, residue mobility, and thermodynamic stability) indicates that this missense variant is not expected to disrupt KMT2D protein function with a negative predictive value of 95%. In summary, the available evidence is currently insufficient to determine the role of this variant in disease. Therefore, it has been classified as a Variant of Uncertain Significance.

NM_003482.4(KMT2D):c.172T>C (p.Cys58Arg)

Gene: KMT2D (lysine methyltransferase 2D; minus strand). Cytogenetic location: 12q13.12.
Variant type: single nucleotide variant.
Coding change: c.172T>C on transcript NM_003482.4 (MANE Select); coding-DNA position 172, T replaced by C.
Protein change: p.Cys58Arg; replaces cysteine 58 with arginine.
Molecular consequence: missense variant.
Genome position (GRCh38, 1-based): chr12:49,054,904, A>G on the plus strand (T>C on the coding strand, the complement: KMT2D is on the minus strand). VCF-style: chr12-49054904-A-G. GRCh37 (hg19) VCF-style: chr12-49448687-A-G.
Other names: short protein forms C58R.
Identifiers: ClinVar variation 2012846 (VCV002012846.4), dbSNP rs955948792, ClinGen allele CA236624350.